The following is an entry in ClinVar:

NM_000138.5(FBN1):c.5204A>G (p.Gln1735Arg)

Gene: FBN1 (fibrillin 1; minus strand). Cytogenetic location: 15q21.1.
Variant type: single nucleotide variant.
Coding change: c.5204A>G on transcript NM_000138.5 (MANE Select); coding-DNA position 5204, A replaced by G.
Protein change: p.Gln1735Arg; replaces glutamine 1735 with arginine.
Molecular consequence: missense variant.
Genome position (GRCh38, 1-based): chr15:48,463,102, T>C on the plus strand (A>G on the coding strand, the complement: FBN1 is on the minus strand). VCF-style: chr15-48463102-T-C. GRCh37 (hg19) VCF-style: chr15-48755299-T-C.
Other names: c.5204A>G, p.Gln1735Arg (NM_001406716.1); short protein forms Q1735R.
Identifiers: ClinVar variation 2773336 (VCV002773336.2), dbSNP rs2505490866, ClinGen allele CA392349033.
Genomic context (GRCh38, chr15:48,463,102, plus strand): 5'-TTCAACCTATATTTTTGATAATGGAGAAACTAAAACTCACCTGTACTTGGGATGGGACAC[T>C]GTTCACAGGGCTTGTTCCACGCCCGGCCAATGTTGTAGGAACAGCAGCACATCTTCTTGG-3'
Protein context (NP_000129.3, residues 1725-1745): IGRAWNKPCE[Gln1735Arg]CPIPSTDEFA

ClinVar aggregate classification (germline): Uncertain significance (1 of 4 stars; one submission).

Conditions:
Familial thoracic aortic aneurysm and aortic dissection (TAAD). Also called: Thoracic aortic aneurysms and dissections. Identifiers: Orphanet 91387, MedGen C4707243, MONDO:0019625.

Submission:

Color Diagnostics, LLC DBA Color Health
Classification: Uncertain significance for Familial thoracic aortic aneurysm and aortic dissection. Last evaluated: 2024-03-06. Review status: criteria provided, single submitter. Criteria: ACMG Guidelines, 2015. Collection method: clinical testing. Allele origin: germline.
Comment: This missense variant replaces glutamine with arginine at codon 1735 of the FBN1 protein. Computational prediction suggests that this variant may not impact protein structure and function (internally defined REVEL score threshold <= 0.5, PMID: 27666373). To our knowledge, functional studies have not been reported for this variant. This variant has not been reported in individuals affected with cardiovascular disorders in the literature. This variant has not been identified in the general population by the Genome Aggregation Database (gnomAD). The available evidence is insufficient to determine the role of this variant in disease conclusively. Therefore, this variant is classified as a Variant of Uncertain Significance.